The following is an entry in ClinVar:

NM_207346.3(TSEN54):c.427C>A (p.Leu143Met)

Gene: TSEN54 (tRNA splicing endonuclease subunit 54; plus strand). Cytogenetic location: 17q25.1.
Variant type: single nucleotide variant.
Coding change: c.427C>A on transcript NM_207346.3 (MANE Select); coding-DNA position 427, C replaced by A.
Protein change: p.Leu143Met; replaces leucine 143 with methionine.
Molecular consequence: missense variant.
Genome position (GRCh38, 1-based): chr17:75,517,614, C>A. VCF-style: chr17-75517614-C-A. GRCh37 (hg19) VCF-style: chr17-73513695-C-A.
Other names: short protein forms L143M.
Identifiers: ClinVar variation 1992092 (VCV001992092.1), dbSNP rs2546152768, ClinGen allele CA401027721.

ClinVar aggregate classification (germline): Uncertain significance (1 of 4 stars; one submission).

Submission:

Labcorp Genetics (formerly Invitae), Labcorp
Classification: Uncertain significance. Last evaluated: 2022-04-01. Review status: criteria provided, single submitter. Criteria: Invitae Variant Classification Sherloc (09022015). Collection method: clinical testing. Allele origin: germline.
Comment: This sequence change replaces leucine, which is neutral and non-polar, with methionine, which is neutral and non-polar, at codon 143 of the TSEN54 protein (p.Leu143Met). This variant is not present in population databases (gnomAD no frequency). This variant has not been reported in the literature in individuals affected with TSEN54-related conditions. Algorithms developed to predict the effect of missense changes on protein structure and function output the following: SIFT: "Tolerated"; PolyPhen-2: "Benign"; Align-GVGD: "Class C0". The methionine amino acid residue is found in multiple mammalian species, which suggests that this missense change does not adversely affect protein function. In summary, the available evidence is currently insufficient to determine the role of this variant in disease. Therefore, it has been classified as a Variant of Uncertain Significance.